The following is an entry in ClinVar:

NM_001282531.3(ADNP):c.3131_3133dup (p.Ser1045Ter)

Gene: ADNP (activity dependent neuroprotector homeobox; minus strand). Cytogenetic location: 20q13.13.
Variant type: Duplication.
Coding change: c.3131_3133dup on transcript NM_001282531.3 (MANE Select); coding-DNA positions 3131 to 3133, 3 bases duplicated (AGT; older notation c.3131_3133dupAGT).
Protein change: p.Ser1045Ter; replaces serine 1045 with a stop codon.
Molecular consequence: nonsense.
Genome position (GRCh38, 1-based): chr20:50,891,581-50,891,583, ACT duplicated on the plus strand (AGT on the coding strand, the reverse complement: ADNP is on the minus strand). VCF-style (leftmost placement, unchanged base first): chr20-50891580-G-GACT. GRCh37 (hg19) VCF-style: chr20-49508117-G-GACT.
Other names: c.3131_3133dup, p.Ser1045Ter (NM_001282532.2, NM_001347511.2, NM_015339.5 and 1 more transcripts); c.3347_3349dup, p.Ser1117Ter (NM_001439000.1); c.2447_2449dup, p.Ser817Ter (NM_001439001.1); short protein forms S1045*, S1117*, S817*.
Identifiers: ClinVar variation 4807851 (VCV004807851.1).

ClinVar aggregate classification (germline): Pathogenic (1 of 4 stars; one submission).

Submission:

Labcorp Genetics (formerly Invitae), Labcorp
Classification: Pathogenic. Last evaluated: 2025-02-21. Review status: criteria provided, single submitter. Criteria: Invitae Variant Classification Sherloc (09022015). Collection method: clinical testing. Allele origin: germline.
Comment: This sequence change creates a premature translational stop signal (p.Ser1045*) in the ADNP gene. While this is not anticipated to result in nonsense mediated decay, it is expected to disrupt the last 58 amino acid(s) of the ADNP protein. This variant is not present in population databases (gnomAD no frequency). This variant has not been reported in the literature in individuals affected with ADNP-related conditions. This variant disrupts a region of the ADNP protein in which other variant(s) (p.Met1088Serfs*5) have been determined to be pathogenic (PMID: 28135719). This suggests that this is a clinically significant region of the protein, and that variants that disrupt it are likely to be disease-causing. For these reasons, this variant has been classified as Pathogenic.

Literature cited by the submitters: PubMed 28135719.